The following is an entry in ClinVar:

NM_002317.7(LOX):c.437C>A (p.Thr146Lys)

Genes: LOX (lysyl oxidase; minus strand), SRFBP1 (serum response factor binding protein 1; plus strand). Cytogenetic location: 5q23.1.
Variant type: single nucleotide variant.
Coding change: c.437C>A on transcript NM_002317.7 (MANE Select); coding-DNA position 437, C replaced by A.
Protein change: p.Thr146Lys; replaces threonine 146 with lysine.
Molecular consequence: missense variant.
Genome position (GRCh38, 1-based): chr5:122,077,549, G>T on the plus strand (C>A on the coding strand, the complement: LOX is on the minus strand). VCF-style: chr5-122077549-G-T. GRCh37 (hg19) VCF-style: chr5-121413244-G-T.
Other names: short protein forms T146K.
Identifiers: ClinVar variation 4098967 (VCV004098967.1).
Genomic context (GRCh38, chr5:122,077,549, plus strand): 5'-ATGCCGTCCACGCGGCTGGGCGGCCGCAGGTTACTGAGCGCAGGAACTTCTCCCGGCGCT[G>T]TCTGGTTCTCCGCGCGCGAGGCGCCAGCTTCGCGGGCTCTAGATGTCGAGTAGCCAGCTT-3'
Protein context (NP_002308.2, residues 136-156): EAGASRAENQ[Thr146Lys]APGEVPALSN

ClinVar aggregate classification (germline): Uncertain significance (1 of 4 stars; one submission).

Conditions:
Cardiovascular phenotype. Identifiers: MedGen CN230736.

Submission:

Ambry Genetics
Classification: Uncertain significance for Cardiovascular phenotype. Last evaluated: 2025-08-12. Review status: criteria provided, single submitter. Criteria: Ambry Variant Classification Scheme 2023. Collection method: clinical testing. Allele origin: germline.
Comment: The p.T146K variant (also known as c.437C>A), located in coding exon 1 of the LOX gene, results from a C to A substitution at nucleotide position 437. The threonine at codon 146 is replaced by lysine, an amino acid with similar properties. This amino acid position is conserved. In addition, this alteration is predicted to be tolerated by in silico analysis. Based on the available evidence, the clinical significance of this variant remains unclear.